The following is an entry in ClinVar:

ClinVar aggregate classification (germline): Uncertain significance (1 of 4 stars; one submission).

Conditions:
Cardiovascular phenotype. Identifiers: MedGen CN230736.

Submission:

Ambry Genetics
Classification: Uncertain significance for Cardiovascular phenotype. Last evaluated: 2024-08-23. Review status: criteria provided, single submitter. Criteria: Ambry Variant Classification Scheme 2023. Collection method: clinical testing. Allele origin: germline.
Comment: The p.E131D variant (also known as c.393G>C), located in coding exon 2 of the CYP27A1 gene, results from a G to C substitution at nucleotide position 393. The glutamic acid at codon 131 is replaced by aspartic acid, an amino acid with highly similar properties. This amino acid position is conserved. In addition, this alteration is predicted to be tolerated by in silico analysis. Based on the available evidence, the clinical significance of this variant remains unclear.

NM_000784.4(CYP27A1):c.393G>C (p.Glu131Asp)

Gene: CYP27A1 (cytochrome P450 family 27 subfamily A member 1; plus strand). Cytogenetic location: 2q35.
Variant type: single nucleotide variant.
Coding change: c.393G>C on transcript NM_000784.4 (MANE Select); coding-DNA position 393, G replaced by C.
Protein change: p.Glu131Asp; replaces glutamic acid 131 with aspartic acid.
Molecular consequence: missense variant.
Genome position (GRCh38, 1-based): chr2:218,809,714, G>C. VCF-style: chr2-218809714-G-C. GRCh37 (hg19) VCF-style: chr2-219674437-G-C.
Other names: short protein forms E131D.
Identifiers: ClinVar variation 3499107 (VCV003499107.1).